The following is an entry in ClinVar:

NC_000008.10:g.(?_68070662)_(68071392_?)del

Gene: CSPP1 (centrosome and spindle pole associated protein 1; plus strand). Cytogenetic location: 8q13.2.
Variant type: Deletion.
Identifiers: ClinVar variation 2426889 (VCV002426889.4).

ClinVar aggregate classification (germline): Uncertain significance (1 of 4 stars; one submission).

Conditions:
Joubert syndrome 21 (JBTS21). Identifiers: MedGen C3810212, MONDO:0014288, OMIM 615636.

Submission:

Labcorp Genetics (formerly Invitae), Labcorp
Classification: Uncertain significance for Joubert syndrome 21. Last evaluated: 2022-02-09. Review status: criteria provided, single submitter. Criteria: Invitae Variant Classification Sherloc (09022015). Collection method: clinical testing. Allele origin: germline.
Comment: In summary, the available evidence is currently insufficient to determine the role of this variant in disease. Therefore, it has been classified as a Variant of Uncertain Significance. Experimental studies and prediction algorithms are not available or were not evaluated, and the functional significance of this variant is currently unknown. This variant has not been reported in the literature in individuals affected with CSPP1-related conditions. This variant is a gross deletion of the genomic region encompassing exon(s) 18-19 of the CSPP1 gene. This variant would be expected to be in-frame, preserving the integrity of the reading frame.